The following is an entry in ClinVar:

NM_001374353.1(GLI2):c.58C>G (p.Leu20Val)

Gene: GLI2 (GLI family zinc finger 2; plus strand). Cytogenetic location: 2q14.2.
Variant type: single nucleotide variant.
Coding change: c.58C>G on transcript NM_001374353.1 (MANE Select); coding-DNA position 58, C replaced by G.
Protein change: p.Leu20Val; replaces leucine 20 with valine.
Molecular consequence: missense variant. On other transcripts: 5 prime UTR variant (1).
Genome position (GRCh38, 1-based): chr2:120,797,378, C>G. VCF-style: chr2-120797378-C-G. GRCh37 (hg19) VCF-style: chr2-121554954-C-G.
Other names: c.58C>G, p.Leu20Val (NM_001371271.1, NM_005270.5); c.-212C>G (NM_001374354.1); short protein forms L20V.
Identifiers: ClinVar variation 982786 (VCV000982786.5), dbSNP rs754532059, ClinGen allele CA1851385.

ClinVar aggregate classification (germline): Uncertain significance. Review status: criteria provided, multiple submitters, no conflicts (2 of 4 stars). 2 submissions from 2 submitters: Uncertain significance (2). Last evaluated 2022-01-22.

Conditions:
Postaxial polydactyly-anterior pituitary anomalies-facial dysmorphism syndrome. Also called: Culler-Jones syndrome. Identifiers: Orphanet 420584, MedGen C4014479, MONDO:0014369, OMIM 615849.
Holoprosencephaly 9 (HPE9). Also called: HOLOPROSENCEPHALY WITH MICROPHTHALMIA AND FIRST BRANCHIAL ARCH ANOMALIES; PITUITARY ANOMALIES WITH HOLOPROSENCEPHALY-LIKE FEATURES. Identifiers: Orphanet 2162, MedGen C1835819, MONDO:0012563, OMIM 610829.

Allele frequency attached by ClinVar (database versions not stated): ExAC 0.00001; gnomAD exomes 0.00001; TOPMed 0.00001; gnomAD 0.00002.
gnomAD v4.1: 19 of 1,613,876 alleles (0.0012%); highest among the groups gnomAD compares: African/African-American, 0.0027%; no homozygotes.

Submissions (2):

Labcorp Genetics (formerly Invitae), Labcorp
Classification: Uncertain significance for Postaxial polydactyly-anterior pituitary anomalies-facial dysmorphism syndrome; Holoprosencephaly 9. Last evaluated: 2022-01-22. Review status: criteria provided, single submitter. Criteria: Invitae Variant Classification Sherloc (09022015). Collection method: clinical testing. Allele origin: germline.
Comment: This variant is present in population databases (rs754532059, gnomAD 0.007%). This sequence change replaces leucine, which is neutral and non-polar, with valine, which is neutral and non-polar, at codon 20 of the GLI2 protein (p.Leu20Val). This variant has not been reported in the literature in individuals affected with GLI2-related conditions. ClinVar contains an entry for this variant (Variation ID: 982786). Algorithms developed to predict the effect of missense changes on protein structure and function output the following: SIFT: "Tolerated"; PolyPhen-2: "Benign"; Align-GVGD: "Class C0". The valine amino acid residue is found in multiple mammalian species, which suggests that this missense change does not adversely affect protein function. In summary, the available evidence is currently insufficient to determine the role of this variant in disease. Therefore, it has been classified as a Variant of Uncertain Significance.

Institute of Human Genetics, University of Leipzig Medical Center
Classification: Uncertain significance for Postaxial polydactyly-anterior pituitary anomalies-facial dysmorphism syndrome. Last evaluated: 2019-01-01. Review status: criteria provided, single submitter. Criteria: ACMG Guidelines, 2015. Collection method: clinical testing. Allele origin: unknown. Affected: yes.